The following is an entry in ClinVar:

ClinVar aggregate classification (germline): Uncertain significance (1 of 4 stars; one submission).

Conditions:
Multiple endocrine neoplasia, type 1 (MEN1). Also called: MEA I; MEN I; WERMER SYNDROME; Endocrine adenomatosis multiple; MEN 1. Identifiers: Orphanet 652, MedGen C0025267, MeSH D018761, MONDO:0007540, OMIM 131100.

Submission:

Labcorp Genetics (formerly Invitae), Labcorp
Classification: Uncertain significance for Multiple endocrine neoplasia, type 1. Last evaluated: 2025-09-08. Review status: criteria provided, single submitter. Criteria: Invitae Variant Classification Sherloc (09022015). Collection method: clinical testing. Allele origin: germline.
Comment: This sequence change replaces proline, which is neutral and non-polar, with leucine, which is neutral and non-polar, at codon 428 of the MEN1 protein (p.Pro428Leu). This variant is not present in population databases (gnomAD no frequency). This variant has not been reported in the literature in individuals affected with MEN1-related conditions. Invitae Evidence Modeling of protein sequence and biophysical properties (such as structural, functional, and spatial information, amino acid conservation, physicochemical variation, residue mobility, and thermodynamic stability) has been performed for this missense variant. However, the output from this modeling did not meet the statistical confidence thresholds required to predict the impact of this variant on MEN1 protein function. In summary, the available evidence is currently insufficient to determine the role of this variant in disease. Therefore, it has been classified as a Variant of Uncertain Significance.

NM_001370259.2(MEN1):c.1283C>T (p.Pro428Leu)

Gene: MEN1 (menin 1; minus strand). Cytogenetic location: 11q13.1.
Variant type: single nucleotide variant.
Coding change: c.1283C>T on transcript NM_001370259.2 (MANE Select); coding-DNA position 1283, C replaced by T.
Protein change: p.Pro428Leu; replaces proline 428 with leucine.
Molecular consequence: missense variant. On other transcripts: non-coding transcript variant (4), intron variant (1).
Genome position (GRCh38, 1-based): chr11:64,805,101, G>A on the plus strand (C>T on the coding strand, the complement: MEN1 is on the minus strand). VCF-style: chr11-64805101-G-A. GRCh37 (hg19) VCF-style: chr11-64572573-G-A.
Other names: c.1298C>T, p.Pro433Leu (NM_000244.4, NM_001407145.1, NM_130800.3 and 4 more transcripts); c.1409C>T, p.Pro470Leu (NM_001370251.2, NM_001407142.1, NM_001407143.1 and 1 more transcripts); c.1283C>T, p.Pro428Leu (NM_001370260.2, NM_001370261.2, NM_001407146.1 and 2 more transcripts); c.1178C>T, p.Pro393Leu (NM_001370262.2, NM_001370263.2, NM_001407148.1 and 1 more transcripts); c.1424C>T, p.Pro475Leu (NM_001407150.1); c.1304C>T, p.Pro435Leu (NM_001407151.1); c.1186-285C>T (NM_001407152.1); short protein forms P393L, P428L, P433L, P435L, P470L, P475L.
Identifiers: ClinVar variation 4800418 (VCV004800418.1).